The following is an entry in ClinVar:

ClinVar aggregate classification (germline): Uncertain significance (1 of 4 stars; one submission).

Conditions:
Brown-Vialetto-van Laere syndrome 1. Also called: BROWN-VIALETTO-VAN LAERE SYNDROME 1, MILD; BULBAR PALSY, PROGRESSIVE, WITH SENSORINEURAL DEAFNESS; PONTOBULBAR PALSY WITH DEAFNESS. Identifiers: Orphanet 572550, Orphanet 97229, MedGen C0796274, MONDO:0024537, OMIM 211530.

Submission:

Labcorp Genetics (formerly Invitae), Labcorp
Classification: Uncertain significance for Brown-Vialetto-van Laere syndrome 1. Last evaluated: 2019-05-30. Review status: criteria provided, single submitter. Criteria: Invitae Variant Classification Sherloc (09022015). Collection method: clinical testing. Allele origin: germline.
Comment: In summary, the available evidence is currently insufficient to determine the role of this variant in disease. Therefore, it has been classified as a Variant of Uncertain Significance. This variant, c.1327_1338dup, results in the insertion of 4 amino acid(s) to the SLC52A3 protein (p.Gly443_Leu446dup), but otherwise preserves the integrity of the reading frame. This variant is not present in population databases (ExAC no frequency). This variant has not been reported in the literature in individuals with SLC52A3-related conditions.

NM_033409.4(SLC52A3):c.1327_1338dup (p.Gly443_Leu446dup)

Gene: SLC52A3 (solute carrier family 52 member 3; minus strand). Cytogenetic location: 20p13.
Variant type: Duplication.
Coding change: c.1327_1338dup on transcript NM_033409.4 (MANE Select); coding-DNA positions 1327 to 1338, 12 bases duplicated (GGAGCGCTGCTC).
Protein change: p.Gly443_Leu446dup.
Molecular consequence: inframe insertion.
Genome position (GRCh38, 1-based): chr20:761,098-761,109, GAGCAGCGCTCC duplicated on the plus strand (GGAGCGCTGCTC on the coding strand, the reverse complement: SLC52A3 is on the minus strand); duplicating any 12 consecutive bases within chr20:761,098-761,117 gives the same sequence; the c. name uses the placement nearest the transcript's 3' end. VCF-style (leftmost placement, unchanged base first): chr20-761097-T-TGAGCAGCGCTCC. GRCh37 (hg19) VCF-style: chr20-741741-T-TGAGCAGCGCTCC.
Other names: c.1327_1338dup, p.Gly443_Leu446dup (NM_001370085.1, NM_001370086.1).
Identifiers: ClinVar variation 937442 (VCV000937442.8), dbSNP rs1462694166, ClinGen allele CA1139666615.
Genomic context (GRCh38, chr20:761,097, plus strand): 5'-AGTGCAGATTGCAGAAGTCCGCGGACGAGAAGAGCCGCAGCACGTTGACCAGAGGGAACA[T>TGAGCAGCGCTCC]GAGCAGCGCTCCGAGCAGCGAGCCCAGCTGCACCGCCGCCCCGCACCACAAGAGGGCGCT-3'